The following is an entry in ClinVar:

NM_000051.4(ATM):c.4798G>T (p.Val1600Leu)

Gene: ATM (ATM serine/threonine kinase; plus strand). Cytogenetic location: 11q22.3.
Variant type: single nucleotide variant.
Coding change: c.4798G>T on transcript NM_000051.4 (MANE Select); coding-DNA position 4798, G replaced by T.
Protein change: p.Val1600Leu; replaces valine 1600 with leucine.
Molecular consequence: missense variant.
Genome position (GRCh38, 1-based): chr11:108,294,948, G>T. VCF-style: chr11-108294948-G-T. GRCh37 (hg19) VCF-style: chr11-108165675-G-T.
Other names: c.4798G>T, p.Val1600Leu (NM_001351834.2); short protein forms V1600L.
Identifiers: ClinVar variation 1403569 (VCV001403569.8), dbSNP rs2135834139, ClinGen allele CA382536382.
Genomic context (GRCh38, chr11:108,294,948, plus strand): 5'-CCAATACGTGTTAAAAGCAAGTTACATTTTCTCTTTTAGGAAATTAACCATTTTCTCTCA[G>T]TAAGTGTTTATGATGCACTTCCATTGACAAGACTTGAAGGACTAAAGGATCTTCGAAGAC-3'
Protein context (NP_000042.3, residues 1590-1610): LLEEINHFLS[Val1600Leu]SVYDALPLTR

ClinVar aggregate classification (germline): Uncertain significance (1 of 4 stars; one submission).

Conditions:
Ataxia-telangiectasia syndrome (AT). Also called: Ataxia-telangiectasia, complementation group D; AT, COMPLEMENTATION GROUP C; Ataxia-telangiectasia; Ataxia telangiectasia (A-T); Ataxia-telangiectasia, complementation group E; Cerebello-oculocutaneous telangiectasia. Identifiers: Orphanet 100, MedGen C0004135, MONDO:0008840, OMIM 208900.

Submission:

Labcorp Genetics (formerly Invitae), Labcorp
Classification: Uncertain significance for Ataxia-telangiectasia syndrome. Last evaluated: 2021-02-11. Review status: criteria provided, single submitter. Criteria: Invitae Variant Classification Sherloc (09022015). Collection method: clinical testing. Allele origin: germline.
Comment: In summary, the available evidence is currently insufficient to determine the role of this variant in disease. Therefore, it has been classified as a Variant of Uncertain Significance. Advanced modeling of protein sequence and biophysical properties (such as structural, functional, and spatial information, amino acid conservation, physicochemical variation, residue mobility, and thermodynamic stability) performed at Invitae indicates that this missense variant is not expected to disrupt ATM protein function. This variant has not been reported in the literature in individuals with ATM-related conditions. This variant is not present in population databases (ExAC no frequency). This sequence change replaces valine with leucine at codon 1600 of the ATM protein (p.Val1600Leu). The valine residue is moderately conserved and there is a small physicochemical difference between valine and leucine.